The following is an entry in ClinVar:

ClinVar aggregate classification (germline): Uncertain significance. Review status: criteria provided, multiple submitters, no conflicts (2 of 4 stars). 2 submissions from 2 submitters: Uncertain significance (2). Last evaluated 2023-08-04.

Allele frequency attached by ClinVar (database versions not stated): gnomAD 0.00001; gnomAD exomes 0.00002; ExAC 0.00004.

Submissions (2):

Labcorp Genetics (formerly Invitae), Labcorp
Classification: Uncertain significance. Last evaluated: 2023-08-04. Review status: criteria provided, single submitter. Criteria: Invitae Variant Classification Sherloc (09022015). Collection method: clinical testing. Allele origin: germline.
Comment: In summary, the available evidence is currently insufficient to determine the role of this variant in disease. Therefore, it has been classified as a Variant of Uncertain Significance. Advanced modeling of protein sequence and biophysical properties (such as structural, functional, and spatial information, amino acid conservation, physicochemical variation, residue mobility, and thermodynamic stability) performed at Invitae indicates that this missense variant is expected to disrupt KCNV2 protein function. ClinVar contains an entry for this variant (Variation ID: 1464288). This variant has not been reported in the literature in individuals affected with KCNV2-related conditions. This variant is present in population databases (rs778345203, gnomAD 0.004%). This sequence change replaces aspartic acid, which is acidic and polar, with asparagine, which is neutral and polar, at codon 140 of the KCNV2 protein (p.Asp140Asn).

Blueprint Genetics
Classification: Uncertain significance. Last evaluated: 2022-09-27. Review status: criteria provided, single submitter. Criteria: ACMG Guidelines, 2015. Collection method: clinical testing. Allele origin: germline.

NM_133497.4(KCNV2):c.418G>A (p.Asp140Asn)

Gene: KCNV2 (potassium voltage-gated channel modifier subfamily V member 2; plus strand). Cytogenetic location: 9p24.2.
Variant type: single nucleotide variant.
Coding change: c.418G>A on transcript NM_133497.4 (MANE Select); coding-DNA position 418, G replaced by A.
Protein change: p.Asp140Asn; replaces aspartic acid 140 with asparagine.
Molecular consequence: missense variant.
Genome position (GRCh38, 1-based): chr9:2,718,157, G>A. VCF-style: chr9-2718157-G-A. GRCh37 (hg19) VCF-style: chr9-2718157-G-A.
Other names: short protein forms D140N.
Identifiers: ClinVar variation 1464288 (VCV001464288.9), dbSNP rs778345203, ClinGen allele CA4965441.